The following is an entry in ClinVar:

ClinVar aggregate classification (germline): Uncertain significance (1 of 4 stars; one submission).

Conditions:
Myofibrillar myopathy 3 (MFM3). Also called: Muscular dystrophy, proximal, type 1A; Autosomal dominant spheroid body myopathy. Identifiers: Orphanet 266, Orphanet 268129, MedGen C3714934, MONDO:0012215, OMIM 609200.

Allele frequency attached by ClinVar (database versions not stated): gnomAD 0.00001; TOPMed 0.00001; gnomAD exomes 0.00003; ExAC 0.00006; 1000 Genomes Project 30x 0.00016; 1000 Genomes Project 0.00020.
gnomAD v4.1: 23 of 1,613,952 alleles (0.0014%); highest among the groups gnomAD compares: East Asian, 0.011%; no homozygotes.

Submission:

Labcorp Genetics (formerly Invitae), Labcorp
Classification: Uncertain significance for Myofibrillar myopathy 3. Last evaluated: 2025-07-31. Review status: criteria provided, single submitter. Criteria: Invitae Variant Classification Sherloc (09022015). Collection method: clinical testing. Allele origin: germline.
Comment: This sequence change replaces arginine, which is basic and polar, with cysteine, which is neutral and slightly polar, at codon 443 of the MYOT protein (p.Arg443Cys). This variant is present in population databases (rs192257955, gnomAD 0.006%). This variant has not been reported in the literature in individuals affected with MYOT-related conditions. ClinVar contains an entry for this variant (Variation ID: 1426111). An algorithm developed to predict the effect of missense changes on protein structure and function (PolyPhen-2) suggests that this variant is likely to be disruptive. In summary, the available evidence is currently insufficient to determine the role of this variant in disease. Therefore, it has been classified as a Variant of Uncertain Significance.

NM_006790.3(MYOT):c.1327C>T (p.Arg443Cys)

Genes: MYOT (myotilin; plus strand), PKD2L2-DT (PKD2L2 divergent transcript; minus strand). Cytogenetic location: 5q31.2.
Variant type: single nucleotide variant.
Coding change: c.1327C>T on transcript NM_006790.3 (MANE Select); coding-DNA position 1327, C replaced by T.
Protein change: p.Arg443Cys; replaces arginine 443 with cysteine.
Molecular consequence: missense variant.
Genome position (GRCh38, 1-based): chr5:137,887,215, C>T. VCF-style: chr5-137887215-C-T. GRCh37 (hg19) VCF-style: chr5-137222904-C-T.
Other names: c.775C>T, p.Arg259Cys (NM_001135940.2); c.982C>T, p.Arg328Cys (NM_001300911.2); short protein forms R443C, R259C, R328C.
Identifiers: ClinVar variation 1426111 (VCV001426111.8), dbSNP rs192257955, ClinGen allele CA3423174.